The following is an entry in ClinVar:

NM_005529.7(HSPG2):c.9785C>T (p.Thr3262Ile)

Gene: HSPG2 (heparan sulfate proteoglycan 2; minus strand). Cytogenetic location: 1p36.12.
Variant type: single nucleotide variant.
Coding change: c.9785C>T on transcript NM_005529.7 (MANE Select); coding-DNA position 9785, C replaced by T.
Protein change: p.Thr3262Ile; replaces threonine 3262 with isoleucine.
Molecular consequence: missense variant.
Genome position (GRCh38, 1-based): chr1:21,839,475, G>A on the plus strand (C>T on the coding strand, the complement: HSPG2 is on the minus strand). VCF-style: chr1-21839475-G-A. GRCh37 (hg19) VCF-style: chr1-22165968-G-A.
Other names: c.9788C>T, p.Thr3263Ile (NM_001291860.2); short protein forms T3262I, T3263I.
Identifiers: ClinVar variation 2964945 (VCV002964945.3), dbSNP rs750122846, ClinGen allele CA670334.

ClinVar aggregate classification (germline): Uncertain significance (1 of 4 stars; one submission).

Allele frequency attached by ClinVar (database versions not stated): TOPMed 0.00002; gnomAD exomes 0.00001; gnomAD 0.00003; ExAC 0.00001.

Submission:

Labcorp Genetics (formerly Invitae), Labcorp
Classification: Uncertain significance. Last evaluated: 2025-04-07. Review status: criteria provided, single submitter. Criteria: Invitae Variant Classification Sherloc (09022015). Collection method: clinical testing. Allele origin: germline.
Comment: This sequence change replaces threonine, which is neutral and polar, with isoleucine, which is neutral and non-polar, at codon 3262 of the HSPG2 protein (p.Thr3262Ile). This variant is present in population databases (rs750122846, gnomAD 0.003%). This variant has not been reported in the literature in individuals affected with HSPG2-related conditions. ClinVar contains an entry for this variant (Variation ID: 2964945). An algorithm developed to predict the effect of missense changes on protein structure and function (PolyPhen-2) suggests that this variant is likely to be disruptive. In summary, the available evidence is currently insufficient to determine the role of this variant in disease. Therefore, it has been classified as a Variant of Uncertain Significance.